The following is an entry in ClinVar:

ClinVar aggregate classification (germline): Uncertain significance (1 of 4 stars; one submission).

Conditions:
Seizures, benign familial neonatal, 2. Also called: Benign Neonatal Epilepsy 2; CONVULSIONS, BENIGN FAMILIAL NEONATAL, 2; KCNQ3-Related Benign Familial Neonatal Epilepsy; Seizures, benign neonatal, 2; KCNQ3-Related Self-Limited Familial Neonatal Epilepsy (SLFNE). Identifiers: Orphanet 1949, MedGen C1852581, MONDO:0007366, OMIM 121201.

Submission:

MVZ Medizinische Genetik Mainz
Classification: Uncertain significance for Seizures, benign familial neonatal, 2. Last evaluated: 2025-11-11. Review status: criteria provided, single submitter. Criteria: UK Practice Guidelines For Variant Classification V4 01 2020. Collection method: clinical testing. Allele origin: germline. Inheritance: Autosomal dominant inheritance. Affected: yes. Observed: 1 variant allele.
Comment: ACMG Criteria: PM1,PP3_MOD,PM2_SUP

NM_004519.4(KCNQ3):c.695T>C (p.Leu232Pro)

Gene: KCNQ3 (potassium voltage-gated channel subfamily Q member 3; minus strand). Cytogenetic location: 8q24.22.
Variant type: single nucleotide variant.
Coding change: c.695T>C on transcript NM_004519.4 (MANE Select); coding-DNA position 695, T replaced by C.
Protein change: p.Leu232Pro; replaces leucine 232 with proline.
Molecular consequence: missense variant.
Genome position (GRCh38, 1-based): chr8:132,180,239, A>G on the plus strand (T>C on the coding strand, the complement: KCNQ3 is on the minus strand). VCF-style: chr8-132180239-A-G. GRCh37 (hg19) VCF-style: chr8-133192486-A-G.
Other names: c.335T>C, p.Leu112Pro (NM_001204824.2); short protein forms L112P, L232P.
Identifiers: ClinVar variation 4532230 (VCV004532230.1).